The following is an entry in ClinVar:

ClinVar aggregate classification (germline): Uncertain significance (1 of 4 stars; one submission).

Submission:

Labcorp Genetics (formerly Invitae), Labcorp
Classification: Uncertain significance. Last evaluated: 2022-07-22. Review status: criteria provided, single submitter. Criteria: Invitae Variant Classification Sherloc (09022015). Collection method: clinical testing. Allele origin: germline.
Comment: In summary, the available evidence is currently insufficient to determine the role of this variant in disease. Therefore, it has been classified as a Variant of Uncertain Significance. Experimental studies and prediction algorithms are not available or were not evaluated, and the functional significance of this variant is currently unknown. This variant has not been reported in the literature in individuals affected with NSUN2-related conditions. This variant is present in population databases (no rsID available, gnomAD 0.003%). This sequence change creates a premature translational stop signal (p.Ile716Serfs*17) in the NSUN2 gene. While this is not anticipated to result in nonsense mediated decay, it is expected to disrupt the last 52 amino acid(s) of the NSUN2 protein.

NM_017755.6(NSUN2):c.2145del (p.Ile716fs)

Gene: NSUN2 (NOP2/Sun RNA methyltransferase 2; minus strand). Cytogenetic location: 5p15.31.
Variant type: Deletion.
Coding change: c.2145del on transcript NM_017755.6 (MANE Select); coding-DNA position 2145, one base deleted (T; older notation c.2145delT).
Protein change: p.Ile716fs; shifts the reading frame from isoleucine 716.
Molecular consequence: frameshift variant. On other transcripts: non-coding transcript variant (1).
Genome position (GRCh38, 1-based): chr5:6,600,085, A deleted on the plus strand (T on the coding strand, the reverse complement: NSUN2 is on the minus strand); the first of 2 consecutive A bases (chr5:6,600,085-6,600,086); deleting either gives the same sequence. VCF-style (leftmost placement, unchanged base first): chr5-6600084-TA-T. GRCh37 (hg19) VCF-style: chr5-6600197-TA-T.
Other names: c.2040del, p.Ile681fs (NM_001193455.2); short protein forms I681fs, I716fs.
Identifiers: ClinVar variation 1914390 (VCV001914390.5), dbSNP rs1457693600, ClinGen allele CA557860173.
Genomic context (GRCh38, chr5:6,600,084, plus strand): 5'-GTCCCTCAGTCACGTCATTGTCTGGCTGTCCGGTGCTGGCTGCACTCTCATTTGTGAGGA[TA>T]ACCCCTTCCTTCTTCTTTTCTCCCAATACCTCCAGCCCCATCATCCTGAGATAATGAAGC-3'